The following is an entry in ClinVar:

ClinVar aggregate classification (germline): Uncertain significance (1 of 4 stars; one submission).

gnomAD v4.1: 24 of 1,614,166 alleles (0.0015%); highest among the groups gnomAD compares: Non-Finnish European, 0.0019%; no homozygotes.

Submission:

Women's Health and Genetics/Laboratory Corporation of America, LabCorp
Classification: Uncertain significance. Last evaluated: 2026-01-02. Review status: criteria provided, single submitter. Criteria: LabCorp Variant Classification Summary - May 2015. Collection method: clinical testing. Allele origin: germline.
Comment: Variant summary: AMHR2 c.1388G>A (p.Arg463His) results in a non-conservative amino acid change in the encoded protein sequence. Algorithms developed to predict the effect of missense changes on protein structure and function are either unavailable or do not agree on the potential impact of this missense change. The variant allele was found at a frequency of 1.2e-05 in 251494 control chromosomes (gnomAD). c.1388G>A has been observed in individuals affected with Persistent Mullerian duct syndrome (Ren_2017, Globa_2020). These data indicate that the variant may be associated with disease. To our knowledge, no experimental evidence demonstrating an impact on protein function has been reported. The following publications have been ascertained in the context of this evaluation (PMID: 29285121, 33691324). No submitters have cited clinical-significance assessments for this variant to ClinVar. Based on the evidence outlined above, the variant was classified as VUS-possibly pathogenic.

Literature cited by the submitters: PubMed 33691324; PubMed 29285121.

NM_020547.3(AMHR2):c.1388G>A (p.Arg463His)

Gene: AMHR2 (anti-Mullerian hormone receptor type 2; plus strand). Cytogenetic location: 12q13.13.
Variant type: single nucleotide variant.
Coding change: c.1388G>A on transcript NM_020547.3 (MANE Select); coding-DNA position 1388, G replaced by A.
Protein change: p.Arg463His; replaces arginine 463 with histidine.
Molecular consequence: missense variant. On other transcripts: intron variant (1).
Genome position (GRCh38, 1-based): chr12:53,430,245, G>A. VCF-style: chr12-53430245-G-A. GRCh37 (hg19) VCF-style: chr12-53824029-G-A.
Other names: c.1384G>A, p.Val462Ile (NM_001164690.2); c.1140+620G>A (NM_001164691.2); short protein forms R463H, V462I.
Identifiers: ClinVar variation 4689685 (VCV004689685.1).